The following is an entry in ClinVar:

ClinVar aggregate classification (germline): Uncertain significance. Review status: criteria provided, multiple submitters, no conflicts (2 of 4 stars). 2 submissions from 2 submitters: Uncertain significance (2). Last evaluated 2022-03-27.

Conditions:
Vici syndrome (VICIS). Identifiers: Orphanet 1493, MedGen C1855772, MONDO:0009452, OMIM 242840.
Inborn genetic diseases. Identifiers: MedGen C0950123, MeSH D030342.

Allele frequency attached by ClinVar (database versions not stated): gnomAD exomes 0.00005; ExAC 0.00006; gnomAD 0.00007 and 0.00008; TOPMed 0.00007; ESP Exome Variant Server 0.00008.
gnomAD v4.1: 91 of 1,614,020 alleles (0.0056%); highest among the groups gnomAD compares: Non-Finnish European, 0.0076%; no homozygotes.

Submissions (2):

Labcorp Genetics (formerly Invitae), Labcorp
Classification: Uncertain significance for Vici syndrome. Last evaluated: 2022-03-27. Review status: criteria provided, single submitter. Criteria: Invitae Variant Classification Sherloc (09022015). Collection method: clinical testing. Allele origin: germline.
Comment: This sequence change replaces glutamic acid, which is acidic and polar, with aspartic acid, which is acidic and polar, at codon 373 of the EPG5 protein (p.Glu373Asp). This variant is present in population databases (rs371484691, gnomAD 0.01%). This variant has not been reported in the literature in individuals affected with EPG5-related conditions. Algorithms developed to predict the effect of missense changes on protein structure and function are either unavailable or do not agree on the potential impact of this missense change (SIFT: "Tolerated"; PolyPhen-2: "Probably Damaging"; Align-GVGD: "Class C0"). In summary, the available evidence is currently insufficient to determine the role of this variant in disease. Therefore, it has been classified as a Variant of Uncertain Significance.

Ambry Genetics
Classification: Uncertain significance for Inborn genetic diseases. Last evaluated: 2021-06-29. Review status: criteria provided, single submitter. Criteria: Ambry Variant Classification Scheme 2023. Collection method: clinical testing. Allele origin: germline.

NM_020964.3(EPG5):c.1119G>T (p.Glu373Asp)

Gene: EPG5 (ectopic P-granules 5 autophagy tethering factor; minus strand). Cytogenetic location: 18q21.1.
Variant type: single nucleotide variant.
Coding change: c.1119G>T on transcript NM_020964.3 (MANE Select); coding-DNA position 1119, G replaced by T.
Protein change: p.Glu373Asp; replaces glutamic acid 373 with aspartic acid.
Molecular consequence: missense variant.
Genome position (GRCh38, 1-based): chr18:45,952,533, C>A on the plus strand (G>T on the coding strand, the complement: EPG5 is on the minus strand). VCF-style: chr18-45952533-C-A. GRCh37 (hg19) VCF-style: chr18-43532499-C-A.
Other names: c.1119G>T (NM_020964.2); short protein forms E373D.
Identifiers: ClinVar variation 1512459 (VCV001512459.5), dbSNP rs371484691, ClinGen allele CA8949810.